The following is an entry in ClinVar:

NM_024675.4(PALB2):c.1244G>C (p.Ser415Thr)

Gene: PALB2 (partner and localizer of BRCA2; minus strand). Cytogenetic location: 16p12.2.
Variant type: single nucleotide variant.
Coding change: c.1244G>C on transcript NM_024675.4 (MANE Select); coding-DNA position 1244, G replaced by C.
Protein change: p.Ser415Thr; replaces serine 415 with threonine.
Molecular consequence: missense variant.
Genome position (GRCh38, 1-based): chr16:23,635,302, C>G on the plus strand (G>C on the coding strand, the complement: PALB2 is on the minus strand). VCF-style: chr16-23635302-C-G. GRCh37 (hg19) VCF-style: chr16-23646623-C-G.
Other names: short protein forms S415T.
Identifiers: ClinVar variation 1495130 (VCV001495130.11), dbSNP rs2142421697, ClinGen allele CA395132926.

ClinVar aggregate classification (germline): Uncertain significance. Review status: criteria provided, multiple submitters, no conflicts (2 of 4 stars). 2 submissions from 2 submitters: Uncertain significance (2). Last evaluated 2023-08-19.

Conditions:
Hereditary cancer-predisposing syndrome. Also called: Tumor predisposition; Hereditary neoplastic syndrome; Neoplastic Syndromes, Hereditary; Hereditary Cancer Syndrome. Identifiers: Orphanet 140162, MedGen C0027672, MeSH D009386, MONDO:0015356.
Familial cancer of breast. Also called: BREAST CANCER, FAMILIAL; Hereditary breast cancer; hereditary breast carcinoma. Identifiers: Orphanet 227535, MedGen C0346153, MONDO:0016419, OMIM 114480. Disease mechanism: loss of function.

Submissions (2):

Labcorp Genetics (formerly Invitae), Labcorp
Classification: Uncertain significance for Familial cancer of breast. Last evaluated: 2023-08-19. Review status: criteria provided, single submitter. Criteria: Invitae Variant Classification Sherloc (09022015). Collection method: clinical testing. Allele origin: germline.
Comment: This sequence change replaces serine, which is neutral and polar, with threonine, which is neutral and polar, at codon 415 of the PALB2 protein (p.Ser415Thr). In summary, the available evidence is currently insufficient to determine the role of this variant in disease. Therefore, it has been classified as a Variant of Uncertain Significance. Advanced modeling of protein sequence and biophysical properties (such as structural, functional, and spatial information, amino acid conservation, physicochemical variation, residue mobility, and thermodynamic stability) performed at Invitae indicates that this missense variant is not expected to disrupt PALB2 protein function. ClinVar contains an entry for this variant (Variation ID: 1495130). This variant has not been reported in the literature in individuals affected with PALB2-related conditions. This variant is not present in population databases (gnomAD no frequency).

Ambry Genetics
Classification: Uncertain significance for Hereditary cancer-predisposing syndrome. Last evaluated: 2021-08-23. Review status: criteria provided, single submitter. Criteria: Ambry Variant Classification Scheme 2023. Collection method: clinical testing. Allele origin: germline.
Comment: The p.S415T variant (also known as c.1244G>C), located in coding exon 4 of the PALB2 gene, results from a G to C substitution at nucleotide position 1244. The serine at codon 415 is replaced by threonine, an amino acid with similar properties. This amino acid position is conserved. In addition, this alteration is predicted to be tolerated by in silico analysis. Since supporting evidence is limited at this time, the clinical significance of this alteration remains unclear.